The following is an entry in ClinVar:

ClinVar aggregate classification (germline): Uncertain significance (1 of 4 stars; one submission).

Submission:

Labcorp Genetics (formerly Invitae), Labcorp
Classification: Uncertain significance. Last evaluated: 2025-09-16. Review status: criteria provided, single submitter. Criteria: Invitae Variant Classification Sherloc (09022015). Collection method: clinical testing. Allele origin: germline.
Comment: This sequence change replaces cysteine, which is neutral and slightly polar, with glycine, which is neutral and non-polar, at codon 159 of the PPARG protein (p.Cys159Gly). This variant is not present in population databases (gnomAD no frequency). This variant has not been reported in the literature in individuals affected with PPARG-related conditions. Invitae Evidence Modeling of protein sequence and biophysical properties (such as structural, functional, and spatial information, amino acid conservation, physicochemical variation, residue mobility, and thermodynamic stability) indicates that this missense variant is expected to disrupt PPARG protein function with a positive predictive value of 95%. In summary, the available evidence is currently insufficient to determine the role of this variant in disease. Therefore, it has been classified as a Variant of Uncertain Significance.

NM_138711.6(PPARG):c.385T>G (p.Cys129Gly)

Gene: PPARG (peroxisome proliferator activated receptor gamma; plus strand). Cytogenetic location: 3p25.2.
Variant type: single nucleotide variant.
Coding change: c.385T>G on transcript NM_138711.6 (MANE Select); coding-DNA position 385, T replaced by G.
Protein change: p.Cys129Gly; replaces cysteine 129 with glycine.
Molecular consequence: missense variant. On other transcripts: 5 prime UTR variant (1).
Genome position (GRCh38, 1-based): chr3:12,381,486, T>G. VCF-style: chr3-12381486-T-G. GRCh37 (hg19) VCF-style: chr3-12422985-T-G.
Other names: c.385T>G, p.Cys129Gly (NM_001330615.4, NM_001354666.3, NM_001354667.3 and 6 more transcripts); c.475T>G, p.Cys159Gly (NM_001354668.2, NM_001374265.1, NM_015869.5); c.-43T>G (NM_001354669.2); c.391T>G, p.Cys131Gly (NM_001354670.2, NM_001374266.1); short protein forms C129G, C159G, C131G.
Identifiers: ClinVar variation 4709914 (VCV004709914.1).
Genomic context (GRCh38, chr3:12,381,486, plus strand): 5'-TGTCGTGTCTGTGGAGATAAAGCTTCTGGATTTCACTATGGAGTTCATGCTTGTGAAGGA[T>G]GCAAGGTAATTAAAAAAAAAGTCTTCAAAGAAATTGTTGAAACTTTATTATTTCATTTCA-3'
Protein context (NP_619725.3, residues 119-139): FHYGVHACEG[Cys129Gly]KGFFRRTIRL